The following is an entry in ClinVar:

NM_000237.3(LPL):c.1274G>A (p.Gly425Asp)

Gene: LPL (lipoprotein lipase; plus strand). Cytogenetic location: 8p21.3.
Variant type: single nucleotide variant.
Coding change: c.1274G>A on transcript NM_000237.3 (MANE Select); coding-DNA position 1274, G replaced by A.
Protein change: p.Gly425Asp; replaces glycine 425 with aspartic acid.
Molecular consequence: missense variant.
Genome position (GRCh38, 1-based): chr8:19,961,035, G>A. VCF-style: chr8-19961035-G-A. GRCh37 (hg19) VCF-style: chr8-19818546-G-A.
Other names: short protein forms G425D.
Identifiers: ClinVar variation 3291193 (VCV003291193.2).
Genomic context (GRCh38, chr8:19,961,035, plus strand): 5'-TGAAGCTCAAATGGAAGAGTGATTCATACTTTAGCTGGTCAGACTGGTGGAGCAGTCCCG[G>A]CTTCGCCATTCAGAAGATCAGAGTAAAAGCAGGAGAGACTCAGAAAAAGTAATTAAATGT-3'
Protein context (NP_000228.1, residues 415-435): FSWSDWWSSP[Gly425Asp]FAIQKIRVKA

ClinVar aggregate classification (germline): Uncertain significance (1 of 4 stars; one submission).

Conditions:
Cardiovascular phenotype. Identifiers: MedGen CN230736.

gnomAD v4.1: 1 of 1,614,098 alleles (0.000062%); highest among the groups gnomAD compares: Non-Finnish European, 0.000085%; no homozygotes.

Submission:

Ambry Genetics
Classification: Uncertain significance for Cardiovascular phenotype. Last evaluated: 2025-05-27. Review status: criteria provided, single submitter. Criteria: Ambry Variant Classification Scheme 2023. Collection method: clinical testing. Allele origin: germline.
Comment: The p.G425D variant (also known as c.1274G>A), located in coding exon 8 of the LPL gene, results from a G to A substitution at nucleotide position 1274. The glycine at codon 425 is replaced by aspartic acid, an amino acid with similar properties. This amino acid position is conserved. In addition, this alteration is predicted to be tolerated by in silico analysis. Based on the available evidence, the clinical significance of this variant remains unclear.